The following is an entry in ClinVar:

NM_001018115.3(FANCD2):c.990-6T>G

Genes: FANCD2 (FA complementation group D2; plus strand), LOC107303338 (3p25 FANCD2 Alu-mediated recombination region; plus strand). Cytogenetic location: 3p25.3.
Variant type: single nucleotide variant.
Coding change: c.990-6T>G on transcript NM_001018115.3 (MANE Select); 6 bases into the intron before coding-DNA position 990, T replaced by G.
Molecular consequence: intron variant.
Genome position (GRCh38, 1-based): chr3:10,043,478, T>G. VCF-style: chr3-10043478-T-G. GRCh37 (hg19) VCF-style: chr3-10085162-T-G.
Other names: c.990-6T>G (NM_001319984.2, NM_001374253.1, NM_033084.6 and 1 more transcripts).
Identifiers: ClinVar variation 4750906 (VCV004750906.1).

ClinVar aggregate classification (germline): Uncertain significance (1 of 4 stars; one submission).

Conditions:
Fanconi anemia (FA). Also called: Fanconi's anemia. Identifiers: Orphanet 84, MedGen C0015625, MeSH D005199, MONDO:0019391.

Submission:

Labcorp Genetics (formerly Invitae), Labcorp
Classification: Uncertain significance for Fanconi anemia. Last evaluated: 2025-06-11. Review status: criteria provided, single submitter. Criteria: Invitae Variant Classification Sherloc (09022015). Collection method: clinical testing. Allele origin: germline.
Comment: This sequence change falls in intron 12 of the FANCD2 gene. It does not directly change the encoded amino acid sequence of the FANCD2 protein. This variant is not present in population databases (gnomAD no frequency). This variant has not been reported in the literature in individuals affected with FANCD2-related conditions. Algorithms developed to predict the effect of sequence changes on RNA splicing suggest that this variant may disrupt the consensus splice site. In summary, the available evidence is currently insufficient to determine the role of this variant in disease. Therefore, it has been classified as a Variant of Uncertain Significance.